The following is an entry in ClinVar:

NM_004360.5(CDH1):c.163+81G>A

Gene: CDH1 (cadherin 1; plus strand). Cytogenetic location: 16q22.1.
Variant type: single nucleotide variant.
Coding change: c.163+81G>A on transcript NM_004360.5 (MANE Select); 81 bases into the intron after coding-DNA position 163, G replaced by A.
Molecular consequence: intron variant.
Genome position (GRCh38, 1-based): chr16:68,738,492, G>A. VCF-style: chr16-68738492-G-A. GRCh37 (hg19) VCF-style: chr16-68772395-G-A.
Other names: c.-1453+81G>A (NM_001317185.2); c.-1657+81G>A (NM_001317186.2); c.163+81G>A (NM_001317184.2).
Identifiers: ClinVar variation 2503020 (VCV002503020.1), dbSNP rs117555306, ClinGen allele CA283274499.
Genomic context (GRCh38, chr16:68,738,492, plus strand): 5'-TCCCTGGGCGGAGTAGGGAGGGGTTGGAAAGGGGCCGAGAAATTGCACTCCCACACCCCT[G>A]GGTTGCAATGGGCAAGCTCCCTCCTTGGCTCAAACGACACCCCTTGGAATTTACGCAGAT-3'

ClinVar aggregate classification (germline): Uncertain significance (1 of 4 stars; one submission).

Conditions:
Hereditary diffuse gastric adenocarcinoma (HDGC). Also called: DIFFUSE GASTRIC AND LOBULAR BREAST CANCER SYNDROME. Identifiers: Orphanet 26106, MedGen C1708349, MONDO:0007648, OMIM 137215.

Allele frequency attached by ClinVar (database versions not stated): gnomAD 0.00018; TOPMed 0.00019; 1000 Genomes Project 0.00020; 1000 Genomes Project 30x 0.00031.
gnomAD v4.1: 258 of 887,794 alleles (0.029%); highest among the groups gnomAD compares: Non-Finnish European, 0.043%; no homozygotes.

Submission:

European Reference Network on Genetic Tumour Risk Syndromes (ERN-GENTURIS), i3s - Instituto de Investigação e Inovação em Saúde, University of Porto
Classification: Uncertain significance for Hereditary diffuse gastric adenocarcinoma. Last evaluated: 2022-08-01. Review status: criteria provided, single submitter. Criteria: Lee et al. (Hum Mutat. 2018). Collection method: clinical testing. Allele origin: germline. Inheritance: Autosomal dominant inheritance. Affected: no. Study: ERN GENTURIS.
Comment: PM2 (PMID: 30311375)

Literature cited by the submitters: PubMed 36436516.